The following is an entry in ClinVar:

ClinVar aggregate classification (germline): Uncertain significance (1 of 4 stars; one submission).

Allele frequency attached by ClinVar (database versions not stated): gnomAD exomes 0.00001.
gnomAD v4.1: 2 of 1,211,394 alleles (0.00017%); highest among the groups gnomAD compares: Admixed American, 0.0044%; no homozygotes.

Submission:

Labcorp Genetics (formerly Invitae), Labcorp
Classification: Uncertain significance. Last evaluated: 2023-07-25. Review status: criteria provided, single submitter. Criteria: Invitae Variant Classification Sherloc (09022015). Collection method: clinical testing. Allele origin: germline.
Comment: An algorithm developed to predict the effect of missense changes on protein structure and function (PolyPhen-2) suggests that this variant is likely to be disruptive. This sequence change replaces cysteine, which is neutral and slightly polar, with phenylalanine, which is neutral and non-polar, at codon 345 of the NEXMIF protein (p.Cys345Phe). This variant is present in population databases (no rsID available, gnomAD 0.008%), including at least one homozygous and/or hemizygous individual. This variant has not been reported in the literature in individuals affected with NEXMIF-related conditions. ClinVar contains an entry for this variant (Variation ID: 860576). In summary, the available evidence is currently insufficient to determine the role of this variant in disease. Therefore, it has been classified as a Variant of Uncertain Significance.

NM_001008537.3(NEXMIF):c.1034G>T (p.Cys345Phe)

Gene: NEXMIF (neurite extension and migration factor; minus strand). Cytogenetic location: Xq13.3.
Variant type: single nucleotide variant.
Coding change: c.1034G>T on transcript NM_001008537.3 (MANE Select); coding-DNA position 1034, G replaced by T.
Protein change: p.Cys345Phe; replaces cysteine 345 with phenylalanine.
Molecular consequence: missense variant.
Genome position (GRCh38, 1-based): chrX:74,743,523, C>A on the plus strand (G>T on the coding strand, the complement: NEXMIF is on the minus strand). VCF-style: chrX-74743523-C-A. GRCh37 (hg19) VCF-style: chrX-73963358-C-A.
Other names: short protein forms C345F.
Identifiers: ClinVar variation 860576 (VCV000860576.9), dbSNP rs1362175878, ClinGen allele CA413671730.